The following is an entry in ClinVar:

NM_000020.3(ACVRL1):c.1111G>T (p.Gly371Cys)

Gene: ACVRL1 (activin A receptor like type 1; plus strand). Cytogenetic location: 12q13.13.
Variant type: single nucleotide variant.
Coding change: c.1111G>T on transcript NM_000020.3 (MANE Select); coding-DNA position 1111, G replaced by T.
Protein change: p.Gly371Cys; replaces glycine 371 with cysteine.
Molecular consequence: missense variant.
Genome position (GRCh38, 1-based): chr12:51,916,098, G>T. VCF-style: chr12-51916098-G-T. GRCh37 (hg19) VCF-style: chr12-52309882-G-T.
Other names: c.1111G>T, p.Gly371Cys (NM_001077401.2); short protein forms G371C.
Identifiers: ClinVar variation 1330784 (VCV001330784.7), dbSNP rs2139076199, ClinGen allele CA384902334.
Genomic context (GRCh38, chr12:51,916,098, plus strand): 5'-CTGGCTGTGATGCACTCACAGGGCAGCGATTACCTGGACATCGGCAACAACCCGAGAGTG[G>T]GCACCAAGCGGTACATGGCACCCGAGGTGCTGGACGAGCAGATCCGCACGGACTGCTTTG-3'
Protein context (NP_000011.2, residues 361-381): YLDIGNNPRV[Gly371Cys]TKRYMAPEVL

ClinVar aggregate classification (germline): Uncertain significance (1 of 4 stars; one submission).

Conditions:
Telangiectasia, hereditary hemorrhagic, type 2 (HHT2). Also called: Telangiectasia, hereditary hemorrhagic, type II; ACVRL1-Related Hereditary Hemorrhagic Telangiectasia. Identifiers: Orphanet 774, MedGen C1838163, MONDO:0010880, OMIM 600376. Disease mechanism: loss of function.

Submission:

ARUP Laboratories, Molecular Genetics and Genomics, ARUP Laboratories
Classification: Uncertain significance for Telangiectasia, hereditary hemorrhagic, type 2. Last evaluated: 2021-02-24. Review status: criteria provided, single submitter. Criteria: ARUP Molecular Germline Variant Investigation Process 2021. Collection method: clinical testing. Allele origin: germline.
Comment: The ACVRL1 c.1111G>T; p.Gly371Cys variant, to our knowledge, is not reported in the medical literature or gene-specific databases. This variant is also absent from general population databases (Exome Variant Server, Genome Aggregation Database), indicating it is not a common polymorphism. The glycine at codon 371 is highly conserved, and computational analyses predict that this variant is deleterious (REVEL: 0.860). Additionally, other amino acid substitutions at this codon (p.Gly371Asp, p.Gly371Ser, p.Gly371Val) have been reported in individuals with diagnosed or suspected hereditary hemorrhagic telangiectasia; however, the clinical significance of these variants is uncertain (Gedge 2007, Lux 2013, McDonald 2011). Due to limited information, the clinical significance of the p.Gly371Cys variant is uncertain at this time. References: Gedge F et al. Clinical and analytical sensitivities in hereditary hemorrhagic telangiectasia testing and a report of de novo mutations. J Mol Diagn. 2007 Apr;9(2):258-65. Lux A et al. HHT diagnosis by Mid-infrared spectroscopy and artificial neural network analysis. Orphanet J Rare Dis. 2013 Jun 27;8:94. McDonald J et al. Molecular diagnosis in hereditary hemorrhagic telangiectasia: findings in a series tested simultaneously by sequencing and deletion/duplication analysis. Clin Genet. 2011 Apr;79(4):335-44.